The following is an entry in ClinVar:

NM_004104.5(FASN):c.6254C>T (p.Pro2085Leu)

Gene: FASN (fatty acid synthase; minus strand). Cytogenetic location: 17q25.3.
Variant type: single nucleotide variant.
Coding change: c.6254C>T on transcript NM_004104.5 (MANE Select); coding-DNA position 6254, C replaced by T.
Protein change: p.Pro2085Leu; replaces proline 2085 with leucine.
Molecular consequence: missense variant.
Genome position (GRCh38, 1-based): chr17:82,081,753, G>A on the plus strand (C>T on the coding strand, the complement: FASN is on the minus strand). VCF-style: chr17-82081753-G-A. GRCh37 (hg19) VCF-style: chr17-80039629-G-A.
Other names: short protein forms P2085L.
Identifiers: ClinVar variation 1502191 (VCV001502191.8), dbSNP rs1333166960, ClinGen allele CA401601181.
Genomic context (GRCh38, chr17:82,081,753, plus strand): 5'-ACCATGTGGGGCTGGTTCAGGAAGAGGTCCAGCACCTCCAGGCAGGACGCCATGCGCTGG[G>A]GCAGCGTGCCACTGACGATCGTGTCGTTGGTGCTCATCGTCTCCACCAAAATGCCCACGT-3'
Protein context (NP_004095.4, residues 2075-2095): TNDTIVSGTL[Pro2085Leu]QRMASCLEVL

ClinVar aggregate classification (germline): Uncertain significance (1 of 4 stars; one submission).

Conditions:
Epileptic encephalopathy. Identifiers: MedGen C0543888, HP:0200134.

Allele frequency attached by ClinVar (database versions not stated): gnomAD exomes below 0.00001.
gnomAD v4.1: 1 of 1,612,666 alleles (0.000062%); highest among the groups gnomAD compares: Admixed American, 0.0017%; no homozygotes.

Submission:

Labcorp Genetics (formerly Invitae), Labcorp
Classification: Uncertain significance for Epileptic encephalopathy. Last evaluated: 2026-01-12. Review status: criteria provided, single submitter. Criteria: Invitae Variant Classification Sherloc (09022015). Collection method: clinical testing. Allele origin: germline.
Comment: This sequence change replaces proline, which is neutral and non-polar, with leucine, which is neutral and non-polar, at codon 2085 of the FASN protein (p.Pro2085Leu). This variant is present in population databases (no rsID available, gnomAD 0.003%). This variant has not been reported in the literature in individuals affected with FASN-related conditions. ClinVar contains an entry for this variant (Variation ID: 1502191). An algorithm developed to predict the effect of missense changes on protein structure and function (PolyPhen-2) suggests that this variant is likely to be tolerated. In summary, the available evidence is currently insufficient to determine the role of this variant in disease. Therefore, it has been classified as a Variant of Uncertain Significance.